The following is an entry in ClinVar:

ClinVar aggregate classification (germline): Uncertain significance (1 of 4 stars; one submission).

Conditions:
Retinoblastoma (RB1). Also called: RETINOBLASTOMA, SOMATIC. Identifiers: Orphanet 790, MedGen C0035335, MeSH D012175, MONDO:0008380, OMIM 180200, HP:0009919. Disease mechanism: loss of function. Inheritance: Both sporadic and heritable forms are tested..

Submission:

Labcorp Genetics (formerly Invitae), Labcorp
Classification: Uncertain significance for Retinoblastoma. Last evaluated: 2025-08-24. Review status: criteria provided, single submitter. Criteria: Invitae Variant Classification Sherloc (09022015). Collection method: clinical testing. Allele origin: germline.
Comment: This sequence change replaces threonine, which is neutral and polar, with arginine, which is basic and polar, at codon 543 of the RB1 protein (p.Thr543Arg). This variant is not present in population databases (gnomAD no frequency). This variant has not been reported in the literature in individuals affected with RB1-related conditions. Invitae Evidence Modeling of protein sequence and biophysical properties (such as structural, functional, and spatial information, amino acid conservation, physicochemical variation, residue mobility, and thermodynamic stability) indicates that this missense variant is expected to disrupt RB1 protein function with a positive predictive value of 80%. In summary, the available evidence is currently insufficient to determine the role of this variant in disease. Therefore, it has been classified as a Variant of Uncertain Significance.

NM_000321.3(RB1):c.1628C>G (p.Thr543Arg)

Gene: RB1 (RB transcriptional corepressor 1; plus strand). Cytogenetic location: 13q14.2.
Variant type: single nucleotide variant.
Coding change: c.1628C>G on transcript NM_000321.3 (MANE Select); coding-DNA position 1628, C replaced by G.
Protein change: p.Thr543Arg; replaces threonine 543 with arginine.
Molecular consequence: missense variant.
Genome position (GRCh38, 1-based): chr13:48,381,376, C>G. VCF-style: chr13-48381376-C-G. GRCh37 (hg19) VCF-style: chr13-48955512-C-G.
Other names: c.1628C>G, p.Thr543Arg (NM_001407165.1, NM_001407166.1); short protein forms T543R.
Identifiers: ClinVar variation 4704319 (VCV004704319.1).